The following is an entry in ClinVar:

ClinVar aggregate classification (germline): Likely benign. Review status: criteria provided, multiple submitters, no conflicts (2 of 4 stars). 3 submissions from 3 submitters: Likely benign (2). 1 of the submissions does not count toward it. Last evaluated 2025-12-15.

Conditions:
Rubinstein-Taybi syndrome (RSTS). Identifiers: Orphanet 783, MedGen C0035934, MONDO:0019188.
Inborn genetic diseases. Identifiers: MedGen C0950123, MeSH D030342.
CREBBP-related disorder. Also called: CREBBP-related disorders; CREBBP-related condition.

Allele frequency attached by ClinVar (database versions not stated): ExAC 0.00003; gnomAD 0.00003; gnomAD exomes 0.00003 and 0.00004; TOPMed 0.00003.
gnomAD v4.1: 55 of 1,613,782 alleles (0.0034%); highest among the groups gnomAD compares: Non-Finnish European, 0.0042%; 1 homozygote.

Submissions (3):

Labcorp Genetics (formerly Invitae), Labcorp
Classification: Likely benign for Rubinstein-Taybi syndrome. Last evaluated: 2025-12-15. Review status: criteria provided, single submitter. Criteria: Invitae Variant Classification Sherloc (09022015). Collection method: clinical testing. Allele origin: germline.

Ambry Genetics
Classification: Likely benign for Inborn genetic diseases. Last evaluated: 2016-12-08. Review status: criteria provided, single submitter. Criteria: Ambry Variant Classification Scheme 2023. Collection method: clinical testing. Allele origin: germline.

PreventionGenetics, part of Exact Sciences
Classification: Likely benign for CREBBP-related condition. Last evaluated: 2023-06-24. Review status: no assertion criteria provided. Collection method: clinical testing. Allele origin: germline. Not counted in ClinVar's aggregate classification.
Comment: This variant is classified as likely benign based on ACMG/AMP sequence variant interpretation guidelines (Richards et al. 2015 PMID: 25741868, with internal and published modifications).

NM_004380.3(CREBBP):c.1026A>G (p.Thr342=)

Gene: CREBBP (CREB binding lysine acetyltransferase; minus strand). Cytogenetic location: 16p13.3.
Variant type: single nucleotide variant.
Coding change: c.1026A>G on transcript NM_004380.3 (MANE Select); coding-DNA position 1026, A replaced by G.
Protein change: p.Thr342=; no amino-acid change (threonine 342 retained).
Molecular consequence: synonymous variant.
Genome position (GRCh38, 1-based): chr16:3,793,576, T>C on the plus strand (A>G on the coding strand, the complement: CREBBP is on the minus strand). VCF-style: chr16-3793576-T-C. GRCh37 (hg19) VCF-style: chr16-3843577-T-C.
Other names: c.1026A>G, p.Thr342= (NM_001079846.1).
Identifiers: ClinVar variation 589716 (VCV000589716.12), dbSNP rs751666077, ClinGen allele CA7870521.